The following is an entry in ClinVar:

ClinVar aggregate classification (germline): Likely benign (1 of 4 stars; one submission).

Allele frequency attached by ClinVar (database versions not stated): TOPMed 0.00108; 1000 Genomes Project 30x 0.00125; 1000 Genomes Project 0.00140; ESP Exome Variant Server 0.00192; gnomAD 0.00252.
gnomAD v4.1: 3,066 of 1,612,134 alleles (0.19%); highest among the groups gnomAD compares: Non-Finnish European, 0.15%; 20 homozygotes.

Submission:

CeGaT Center for Human Genetics Tuebingen
Classification: Likely benign. Last evaluated: 2022-07-01. Review status: criteria provided, single submitter. Criteria: CeGaT Center For Human Genetics Tuebingen Variant Classification Criteria Version 2. Collection method: clinical testing. Allele origin: germline. Affected: yes. Observed: 1 variant allele.
Comment: WNT7B: BP4, BP7

NM_058238.3(WNT7B):c.261C>T (p.Leu87=)

Gene: WNT7B (Wnt family member 7B; minus strand). Cytogenetic location: 22q13.31.
Variant type: single nucleotide variant.
Coding change: c.261C>T on transcript NM_058238.3 (MANE Select); coding-DNA position 261, C replaced by T.
Protein change: p.Leu87=; no amino-acid change (leucine 87 retained).
Molecular consequence: synonymous variant.
Genome position (GRCh38, 1-based): chr22:45,949,957, G>A on the plus strand (C>T on the coding strand, the complement: WNT7B is on the minus strand). VCF-style: chr22-45949957-G-A. GRCh37 (hg19) VCF-style: chr22-46345837-G-A.
Other names: c.273C>T, p.Leu91= (NM_001410806.1).
Identifiers: ClinVar variation 2653296 (VCV002653296.24), dbSNP rs147267470, ClinGen allele CA10288319.